The following is an entry in ClinVar:

NM_001368894.2(PAX6):c.1110C>A (p.Cys370Ter)

Gene: PAX6 (paired box 6; minus strand). Cytogenetic location: 11p13.
Variant type: single nucleotide variant.
Coding change: c.1110C>A on transcript NM_001368894.2 (MANE Select); coding-DNA position 1110, C replaced by A.
Protein change: p.Cys370Ter; replaces cysteine 370 with a stop codon.
Molecular consequence: nonsense. On other transcripts: non-coding transcript variant (1), intron variant (9).
Genome position (GRCh38, 1-based): chr11:31,790,825, G>T on the plus strand (C>A on the coding strand, the complement: PAX6 is on the minus strand). VCF-style: chr11-31790825-G-T. GRCh37 (hg19) VCF-style: chr11-31812373-G-T.
Other names: c.660C>A, p.Cys220Ter (NM_001310161.3, NM_001368899.2, NM_001368909.2 and 10 more transcripts); c.1068C>A, p.Cys356Ter (NM_001368887.2, NM_001368888.2, NM_001368889.2 and 6 more transcripts); c.1110C>A, p.Cys370Ter (NM_001368892.2, NM_001368893.2, NM_001258462.3 and 3 more transcripts); c.1311C>A, p.Cys437Ter (NM_001368910.2); c.1185C>A, p.Cys395Ter (NM_001368918.2, NM_001368919.2); c.1143C>A, p.Cys381Ter (NM_001368920.2); c.909C>A, p.Cys303Ter (NM_001368922.2, NM_001368923.2, NM_001368924.2 and 3 more transcripts); c.867C>A, p.Cys289Ter (NM_001368928.2); and 6 more; short protein forms C155*, C220*, C289*, C303*, C356*, C370*, C381*, C395*.
Identifiers: ClinVar variation 4292893 (VCV004292893.1).

ClinVar aggregate classification (germline): Likely pathogenic (1 of 4 stars; one submission).

Conditions:
Aniridia 1 (AN1). Identifiers: Orphanet 250923, MedGen C0344542, MONDO:0024507, OMIM 106210.

Submission:

3billion
Classification: Likely pathogenic for Aniridia 1. Last evaluated: 2024-11-25. Review status: criteria provided, single submitter. Criteria: ACMG Guidelines, 2015. Collection method: clinical testing. Allele origin: germline. Affected: yes.
Comment: The variant is not observed in the gnomAD v4.1.0 dataset. Predicted Consequence/Location: Stop-gained (nonsense): predicted to result in a loss or disruption of normal protein function through nonsense-mediated decay (NMD) or protein truncation. Multiple pathogenic variants are reported downstream of the variant. Therefore, this variant is classified as Likely pathogenic according to the recommendation of ACMG/AMP guideline.